The following is an entry in ClinVar:

NM_003922.4(HERC1):c.5615G>A (p.Gly1872Asp)

Gene: HERC1 (HECT and RLD domain containing E3 ubiquitin protein ligase family member 1; minus strand). Cytogenetic location: 15q22.31.
Variant type: single nucleotide variant.
Coding change: c.5615G>A on transcript NM_003922.4 (MANE Select); coding-DNA position 5615, G replaced by A.
Protein change: p.Gly1872Asp; replaces glycine 1872 with aspartic acid.
Molecular consequence: missense variant.
Genome position (GRCh38, 1-based): chr15:63,694,023, C>T on the plus strand (G>A on the coding strand, the complement: HERC1 is on the minus strand). VCF-style: chr15-63694023-C-T. GRCh37 (hg19) VCF-style: chr15-63986222-C-T.
Other names: short protein forms G1872D.
Identifiers: ClinVar variation 4056604 (VCV004056604.1).
Genomic context (GRCh38, chr15:63,694,023, plus strand): 5'-CCTCTGAAATCTTTCTTCTCAGTTTCTCCACTGGAGTCAACTTTTTTTTCTTCTTCTTCA[C>T]CGTCTTCTTGCTCCCCTTCTCCGAAAGAGGCCATATGTAGTACACCAGTTTGGGACAATA-3'
Protein context (NP_003913.3, residues 1862-1882): ASFGEGEQED[Gly1872Asp]EEEEKKVDSS

ClinVar aggregate classification (germline): Uncertain significance (1 of 4 stars; one submission).

Conditions:
Macrocephaly, dysmorphic facies, and psychomotor retardation (MDFPMR). Identifiers: Orphanet 457359, MedGen C4310766, MONDO:0014863, OMIM 617011.

gnomAD v4.1: 26 of 1,583,118 alleles (0.0016%); highest among the groups gnomAD compares: Middle Eastern, 0.033%; 1 homozygote.

Submission:

Laboratorio de Genetica e Diagnostico Molecular, Hospital Israelita Albert Einstein
Classification: Uncertain significance for Macrocephaly, dysmorphic facies, and psychomotor retardation. Last evaluated: 2024-10-11. Review status: criteria provided, single submitter. Criteria: ACMG Guidelines, 2015. Collection method: clinical testing. Allele origin: germline. Affected: yes.
Comment: ACMG classification criteria: PM2 supporting, PP2 supporting, BP4 supporting